The following is an entry in ClinVar:

NM_198578.4(LRRK2):c.6652G>T (p.Gly2218Trp)

Gene: LRRK2 (leucine rich repeat kinase 2; plus strand). Cytogenetic location: 12q12.
Variant type: single nucleotide variant.
Coding change: c.6652G>T on transcript NM_198578.4 (MANE Select); coding-DNA position 6652, G replaced by T.
Protein change: p.Gly2218Trp; replaces glycine 2218 with tryptophan.
Molecular consequence: missense variant.
Genome position (GRCh38, 1-based): chr12:40,354,374, G>T. VCF-style: chr12-40354374-G-T. GRCh37 (hg19) VCF-style: chr12-40748176-G-T.
Other names: short protein forms G2218W.
Identifiers: ClinVar variation 1754701 (VCV001754701.2), dbSNP rs2499993501, ClinGen allele CA384409036.
Genomic context (GRCh38, chr12:40,354,374, plus strand): 5'-AGAATATTGTGCTTAGCCTTGGTGCATCTTCCTGTTGAAAAGGAAAGCTGGATTGTGTCT[G>T]GGACACAGTCTGGTACTCTCCTGGTCATCAATACCGAAGATGGGAAAAAGAGACATACCC-3'
Protein context (NP_940980.4, residues 2208-2228): PVEKESWIVS[Gly2218Trp]TQSGTLLVIN

ClinVar aggregate classification (germline): Uncertain significance (1 of 4 stars; one submission).

Conditions:
Inborn genetic diseases. Identifiers: MedGen C0950123, MeSH D030342.

Submission:

Ambry Genetics
Classification: Uncertain significance for Inborn genetic diseases. Last evaluated: 2022-10-12. Review status: criteria provided, single submitter. Criteria: Ambry Variant Classification Scheme 2023. Collection method: clinical testing. Allele origin: germline.
Comment: The p.G2218W variant (also known as c.6652G>T), located in coding exon 45 of the LRRK2 gene, results from a G to T substitution at nucleotide position 6652. The glycine at codon 2218 is replaced by tryptophan, an amino acid with highly dissimilar properties. This amino acid position is conserved. In addition, this alteration is predicted to be deleterious by in silico analysis. Since supporting evidence is limited at this time, the clinical significance of this alteration remains unclear.